The following is an entry in ClinVar:

NM_024027.5(COLEC11):c.777C>T (p.Thr259=)

Gene: COLEC11 (collectin subfamily member 11; plus strand). Cytogenetic location: 2p25.3.
Variant type: single nucleotide variant.
Coding change: c.777C>T on transcript NM_024027.5 (MANE Select); coding-DNA position 777, C replaced by T.
Protein change: p.Thr259=; no amino-acid change (threonine 259 retained).
Molecular consequence: synonymous variant. On other transcripts: non-coding transcript variant (1).
Genome position (GRCh38, 1-based): chr2:3,644,079, C>T. VCF-style: chr2-3644079-C-T. GRCh37 (hg19) VCF-style: chr2-3691669-C-T.
Other names: c.705C>T, p.Thr235= (NM_001255982.2, NM_001255983.2); c.633C>T, p.Thr211= (NM_001255984.2); c.819C>T, p.Thr273= (NM_001255985.1); c.699C>T, p.Thr233= (NM_001255986.1); c.627C>T, p.Thr209= (NM_001255987.1, NM_001255988.1); c.555C>T, p.Thr185= (NM_001255989.1); c.768C>T, p.Thr256= (NM_199235.3).
Identifiers: ClinVar variation 774807 (VCV000774807.33), dbSNP rs114716171, ClinGen allele CA1517154.
Genomic context (GRCh38, chr2:3,644,079, plus strand): 5'-GGAGGACTGCGTGGAGATGGTGGCCTCGGGCGGCTGGAACGACGTGGCCTGCCACACCAC[C>T]ATGTACTTCATGTGTGAGTTTGACAAGGAGAACATGTGAGCCTCAGGCTGGGGCTGCCCA-3'
Protein context (NP_076932.1, residues 249-269): GGWNDVACHT[Thr259=]MYFMCEFDKE

ClinVar aggregate classification (germline): Benign/Likely benign. Review status: criteria provided, multiple submitters, no conflicts (2 of 4 stars). 3 submissions from 3 submitters: Benign (2); Likely benign (1). Last evaluated 2026-01-15.

Allele frequency attached by ClinVar (database versions not stated): 1000 Genomes Project 0.00120; 1000 Genomes Project 30x 0.00141; ESP Exome Variant Server 0.00277; TOPMed 0.00300; gnomAD exomes 0.00338; gnomAD 0.00346 and 0.00355; ExAC 0.00352.

Submissions (3):

Labcorp Genetics (formerly Invitae), Labcorp
Classification: Benign. Last evaluated: 2026-01-15. Review status: criteria provided, single submitter. Criteria: Invitae Variant Classification Sherloc (09022015). Collection method: clinical testing. Allele origin: germline.

CeGaT Center for Human Genetics Tuebingen
Classification: Likely benign. Last evaluated: 2026-01-01. Review status: criteria provided, single submitter. Criteria: CeGaT Center For Human Genetics Tuebingen Variant Classification Criteria Version 2. Collection method: clinical testing. Allele origin: germline. Affected: yes. Observed: 11 variant alleles.
Comment: COLEC11: BP4, BS2

Breakthrough Genomics
Classification: Benign. Review status: criteria provided, single submitter. Criteria: ACMG Guidelines, 2015. Collection method: not provided. Allele origin: germline. Inheritance: Autosomal recessive inheritance. Affected: yes.